The following is an entry in ClinVar:

NM_020877.5(DNAH2):c.4363-4T>C

Gene: DNAH2 (dynein axonemal heavy chain 2; plus strand). Cytogenetic location: 17p13.1.
Variant type: single nucleotide variant.
Coding change: c.4363-4T>C on transcript NM_020877.5 (MANE Select); 4 bases into the intron before coding-DNA position 4363, T replaced by C.
Molecular consequence: intron variant.
Genome position (GRCh38, 1-based): chr17:7,771,326, T>C. VCF-style: chr17-7771326-T-C. GRCh37 (hg19) VCF-style: chr17-7674644-T-C.
Identifiers: ClinVar variation 3038578 (VCV003038578.2), dbSNP rs201992594, ClinGen allele CA8357122.

ClinVar aggregate classification (germline): Likely benign (0 of 4 stars; one submission).

Conditions:
DNAH2-related disorder. Also called: DNAH2-related condition.

Allele frequency attached by ClinVar (database versions not stated): gnomAD exomes 0.00008; ExAC 0.00014; ESP Exome Variant Server 0.00015; gnomAD 0.00023; 1000 Genomes Project 30x 0.00031; 1000 Genomes Project 0.00040; TOPMed 0.00040.
gnomAD v4.1: 168 of 1,614,070 alleles (0.01%); highest among the groups gnomAD compares: Middle Eastern, 0.21%; 1 homozygote.

Submission:

PreventionGenetics, part of Exact Sciences
Classification: Likely benign for DNAH2-related condition. Last evaluated: 2019-02-27. Review status: no assertion criteria provided. Collection method: clinical testing. Allele origin: germline.
Comment: This variant is classified as likely benign based on ACMG/AMP sequence variant interpretation guidelines (Richards et al. 2015 PMID: 25741868, with internal and published modifications).